The following is an entry in ClinVar:

NM_006270.5(RRAS):c.383G>A (p.Arg128Gln)

Gene: RRAS (RAS related; minus strand). Cytogenetic location: 19q13.33.
Variant type: single nucleotide variant.
Coding change: c.383G>A on transcript NM_006270.5 (MANE Select); coding-DNA position 383, G replaced by A.
Protein change: p.Arg128Gln; replaces arginine 128 with glutamine.
Molecular consequence: missense variant.
Genome position (GRCh38, 1-based): chr19:49,636,689, C>T on the plus strand (G>A on the coding strand, the complement: RRAS is on the minus strand). VCF-style: chr19-49636689-C-T. GRCh37 (hg19) VCF-style: chr19-50139946-C-T.
Other names: short protein forms R128Q.
Identifiers: ClinVar variation 1735419 (VCV001735419.4), dbSNP rs749320172, ClinGen allele CA9579036.

ClinVar aggregate classification (germline): Uncertain significance. Review status: criteria provided, multiple submitters, no conflicts (2 of 4 stars). 3 submissions from 3 submitters: Uncertain significance (3). Last evaluated 2026-02-20.

Conditions:
Noonan syndrome (NS). Also called: Noonan's syndrome. Identifiers: Orphanet 648, MedGen C0028326, MeSH D009634, MONDO:0018997. Disease mechanism: gain of function.

Allele frequency attached by ClinVar (database versions not stated): gnomAD exomes 0.00001; TOPMed 0.00001; ExAC 0.00002; gnomAD 0.00003.
gnomAD v4.1: 23 of 1,614,124 alleles (0.0014%); highest among the groups gnomAD compares: African/African-American, 0.0067%; no homozygotes.

Submissions (3):

St. Jude Molecular Pathology, St. Jude Children's Research Hospital
Classification: Uncertain significance for Noonan syndrome. Last evaluated: 2026-02-20. Review status: criteria provided, single submitter. Criteria: St. Jude Assertion Criteria 2020. Collection method: clinical testing. Allele origin: germline.
Comment: The RRAS c.383G>A p.(Arg128Gln) missense change has a maximum subpopulation frequency of 0.004% in gnomAD v2.1.1. The in silico tool REVEL is inconclusive about a pathogenic or benign effect of t his variant on protein function, and to our knowledge functional studies have not been performed. To our knowledge, this variant has not been reported in individuals with Noonan syndrome. In summary, the evidence currently available is insufficient to de termine the clinical significance of this variant. It has therefore been classified as of uncertain significance.

Labcorp Genetics (formerly Invitae), Labcorp
Classification: Uncertain significance for Noonan syndrome. Last evaluated: 2026-01-04. Review status: criteria provided, single submitter. Criteria: Invitae Variant Classification Sherloc (09022015). Collection method: clinical testing. Allele origin: germline.
Comment: This sequence change replaces arginine, which is basic and polar, with glutamine, which is neutral and polar, at codon 128 of the RRAS protein (p.Arg128Gln). This variant is present in population databases (rs749320172, gnomAD 0.004%). This variant has not been reported in the literature in individuals affected with RRAS-related conditions. ClinVar contains an entry for this variant (Variation ID: 1735419). An algorithm developed to predict the effect of missense changes on protein structure and function (PolyPhen-2) suggests that this variant is likely to be tolerated. In summary, the available evidence is currently insufficient to determine the role of this variant in disease. Therefore, it has been classified as a Variant of Uncertain Significance.

Ambry Genetics
Classification: Uncertain significance. Last evaluated: 2023-06-02. Review status: criteria provided, single submitter. Criteria: Ambry Variant Classification Scheme 2023. Collection method: clinical testing. Allele origin: germline.